The following is an entry in ClinVar:

NM_007055.4(POLR3A):c.3350T>C (p.Ile1117Thr)

Gene: POLR3A (RNA polymerase III subunit A; minus strand). Cytogenetic location: 10q22.3.
Variant type: single nucleotide variant.
Coding change: c.3350T>C on transcript NM_007055.4 (MANE Select); coding-DNA position 3350, T replaced by C.
Protein change: p.Ile1117Thr; replaces isoleucine 1117 with threonine.
Molecular consequence: missense variant.
Genome position (GRCh38, 1-based): chr10:77,983,999, A>G on the plus strand (T>C on the coding strand, the complement: POLR3A is on the minus strand). VCF-style: chr10-77983999-A-G. GRCh37 (hg19) VCF-style: chr10-79743757-A-G.
Other names: short protein forms I1117T.
Identifiers: ClinVar variation 1326973 (VCV001326973.3), dbSNP rs762055380, ClinGen allele CA5570857.

ClinVar aggregate classification (germline): Uncertain significance (1 of 4 stars; one submission).

Conditions:
Leukodystrophy, hypomyelinating, 7, with or without oligodontia and/or hypogonadotropic hypogonadism (HLD7). Also called: LEUKODYSTROPHY, HYPOMYELINATING, 7, WITH OLIGODONTIA; LEUKODYSTROPHY, HYPOMYELINATING, 7, WITH OLIGODONTIA AND HYPOGONADOTROPIC HYPOGONADISM; LEUKODYSTROPHY, HYPOMYELINATING, 7, WITHOUT OLIGODONTIA OR HYPOGONADOTROPIC HYPOGONADISM; Ataxia, Delayed Dentition and Hypomyelination (ADDH); LEUKOENCEPHALOPATHY, HYPOMYELINATING, WITH ATAXIA AND DELAYED DENTITION; ATAXIA, DELAYED DENTITION, AND HYPOMYELINATION. Identifiers: Orphanet 137639, Orphanet 447893, Orphanet 447896, Orphanet 77295, Orphanet 88637, MedGen CN034185, MONDO:0011897, OMIM 607694.

Allele frequency attached by ClinVar (database versions not stated): gnomAD 0.00001; gnomAD exomes 0.00002 and 0.00004; ExAC 0.00004.
gnomAD v4.1: 36 of 1,608,002 alleles (0.0022%); highest among the groups gnomAD compares: South Asian, 0.034%; no homozygotes.

Submission:

Molecular Genetics, Royal Melbourne Hospital
Classification: Uncertain significance for Leukodystrophy, hypomyelinating, 7, with or without oligodontia and/or hypogonadotropic hypogonadism. Last evaluated: 2021-11-11. Review status: criteria provided, single submitter. Criteria: ACMG Guidelines, 2015. Collection method: clinical testing. Allele origin: germline.
Comment: This sequence change in POLR3A is predicted to replace isoleucine with threonine at codon 1117, p.(Ile1117Thr). The isoleucine residue is highly conserved (100 vertebrates, UCSC), and is not located in an annotated domain. There is a moderate physicochemical difference between isoleucine and threonine. The highest population minor allele frequency in gnomAD v2.1 is 0.03% (8/30,482 alleles) in the South Asian population, which is consistent with a recessive condition. To our knowledge, this variant has not been reported in the literature in any individuals with POLR3A-related disease. Multiple lines of computational evidence have conflicting predictions for the missense substitution (4/6 algorithms predict deleterious). Based on the classification scheme RMH Modified ACMG Guidelines v1.4.0, this variant is classified as a VARIANT OF UNCERTAIN SIGNIFICANCE. Following criteria are met: PM2_Supporting.